The following is an entry in ClinVar:

NM_014956.5(CEP164):c.2242C>G (p.Leu748Val)

Gene: CEP164 (centrosomal protein 164; plus strand). Cytogenetic location: 11q23.3.
Variant type: single nucleotide variant.
Coding change: c.2242C>G on transcript NM_014956.5 (MANE Select); coding-DNA position 2242, C replaced by G.
Protein change: p.Leu748Val; replaces leucine 748 with valine.
Molecular consequence: missense variant.
Genome position (GRCh38, 1-based): chr11:117,391,174, C>G. VCF-style: chr11-117391174-C-G. GRCh37 (hg19) VCF-style: chr11-117261890-C-G.
Other names: c.2251C>G, p.Leu751Val (NM_001271933.2); short protein forms L751V, L748V.
Identifiers: ClinVar variation 1481724 (VCV001481724.9), dbSNP rs763926600, ClinGen allele CA382723536.
Genomic context (GRCh38, chr11:117,391,174, plus strand): 5'-GAGATAGAGGCTTCGGAGAAGAGCGAGCAGGCTGCCCTGAATGCTGCAAAGGAGAAGGCT[C>G]TGCAGCAGCTGAGGGAGCAGCTGGAAGGGGAGAGGAAAGAAGTGAGCTAGTCAAGTGGGG-3'
Protein context (NP_055771.4, residues 738-758): AALNAAKEKA[Leu748Val]QQLREQLEGE

ClinVar aggregate classification (germline): Uncertain significance. Review status: criteria provided, multiple submitters, no conflicts (2 of 4 stars). 2 submissions from 2 submitters: Uncertain significance (2). Last evaluated 2022-07-05.

Conditions:
Nephronophthisis 15 (NPHP15). Identifiers: Orphanet 3156, MedGen C3541853, MONDO:0013917, OMIM 614845.

Allele frequency attached by ClinVar (database versions not stated): TOPMed below 0.00001.

Submissions (2):

Labcorp Genetics (formerly Invitae), Labcorp
Classification: Uncertain significance for Nephronophthisis 15. Last evaluated: 2022-07-05. Review status: criteria provided, single submitter. Criteria: Invitae Variant Classification Sherloc (09022015). Collection method: clinical testing. Allele origin: germline.
Comment: This sequence change replaces leucine, which is neutral and non-polar, with valine, which is neutral and non-polar, at codon 748 of the CEP164 protein (p.Leu748Val). This variant is not present in population databases (gnomAD no frequency). This variant has not been reported in the literature in individuals affected with CEP164-related conditions. ClinVar contains an entry for this variant (Variation ID: 1481724). Algorithms developed to predict the effect of missense changes on protein structure and function are either unavailable or do not agree on the potential impact of this missense change (SIFT: "Deleterious"; PolyPhen-2: "Probably Damaging"; Align-GVGD: "Class C0"). In summary, the available evidence is currently insufficient to determine the role of this variant in disease. Therefore, it has been classified as a Variant of Uncertain Significance.

Fulgent Genetics
Classification: Uncertain significance for Nephronophthisis 15. Last evaluated: 2022-05-17. Review status: criteria provided, single submitter. Criteria: ACMG Guidelines, 2015. Collection method: clinical testing. Allele origin: unknown.